The following is an entry in ClinVar:

NM_002354.3(EPCAM):c.510C>G (p.Ile170Met)

Gene: EPCAM (epithelial cell adhesion molecule; plus strand). Cytogenetic location: 2p21.
Variant type: single nucleotide variant.
Coding change: c.510C>G on transcript NM_002354.3 (MANE Select); coding-DNA position 510, C replaced by G.
Protein change: p.Ile170Met; replaces isoleucine 170 with methionine.
Molecular consequence: missense variant.
Genome position (GRCh38, 1-based): chr2:47,377,032, C>G. VCF-style: chr2-47377032-C-G. GRCh37 (hg19) VCF-style: chr2-47604171-C-G.
Other names: short protein forms I170M.
Identifiers: ClinVar variation 5036026 (VCV005036026.1).

ClinVar aggregate classification (germline): Uncertain significance (1 of 4 stars; one submission).

Conditions:
Hereditary cancer-predisposing syndrome. Also called: Hereditary Cancer Syndrome; Neoplastic Syndromes, Hereditary; Tumor predisposition; Hereditary neoplastic syndrome. Identifiers: Orphanet 140162, MedGen C0027672, MeSH D009386, MONDO:0015356.

Submission:

Ambry Genetics
Classification: Uncertain significance for Hereditary cancer-predisposing syndrome. Last evaluated: 2026-07-01. Review status: criteria provided, single submitter. Criteria: Ambry Variant Classification Scheme 2023. Collection method: clinical testing. Allele origin: germline.
Comment: The p.I170M variant (also known as c.510C>G), located in coding exon 5 of the EPCAM gene, results from a C to G substitution at nucleotide position 510. The isoleucine at codon 170 is replaced by methionine, an amino acid with highly similar properties. This amino acid position is conserved. In addition, this alteration is predicted to be tolerated by in silico analysis. Based on the available evidence, the clinical significance of this variant remains unclear.